The following is an entry in ClinVar:

NM_182914.3(SYNE2):c.5068G>A (p.Glu1690Lys)

Gene: SYNE2 (spectrin repeat containing nuclear envelope protein 2; plus strand). Cytogenetic location: 14q23.2.
Variant type: single nucleotide variant.
Coding change: c.5068G>A on transcript NM_182914.3 (MANE Select); coding-DNA position 5068, G replaced by A.
Protein change: p.Glu1690Lys; replaces glutamic acid 1690 with lysine.
Molecular consequence: missense variant.
Genome position (GRCh38, 1-based): chr14:64,020,010, G>A. VCF-style: chr14-64020010-G-A. GRCh37 (hg19) VCF-style: chr14-64486728-G-A.
Other names: c.5068G>A, p.Glu1690Lys (NM_015180.6); short protein forms E1690K.
Identifiers: ClinVar variation 835156 (VCV000835156.8), dbSNP rs2096924669, ClinGen allele CA389939283.
Genomic context (GRCh38, chr14:64,020,010, plus strand): 5'-ATGAAATAAAAAGACACTATCCTTTAAAATTACATGTTTTAGGAAGAATTACAAGTCCAT[G>A]AACAAAAAACTTCAGAATTTTCTAGAAGAGTGGCTGAAATACAGTTTTTGCTCCAAAGCA-3'
Protein context (NP_878918.2, residues 1680-1700): ERLKEELQVH[Glu1690Lys]QKTSEFSRRV

ClinVar aggregate classification (germline): Uncertain significance (1 of 4 stars; one submission).

Conditions:
Emery-Dreifuss muscular dystrophy 5, autosomal dominant (EDMD5). Also called: EMERY-DREIFUSS MUSCULAR DYSTROPHY 5. Identifiers: Orphanet 261, MedGen C2751805, MONDO:0013072, OMIM 612999.

Allele frequency attached by ClinVar (database versions not stated): gnomAD exomes below 0.00001.
gnomAD v4.1: 1 of 1,612,682 alleles (0.000062%); highest among the groups gnomAD compares: Non-Finnish European, 0.000085%; no homozygotes.

Submission:

Labcorp Genetics (formerly Invitae), Labcorp
Classification: Uncertain significance for Emery-Dreifuss muscular dystrophy 5, autosomal dominant. Last evaluated: 2022-08-09. Review status: criteria provided, single submitter. Criteria: Invitae Variant Classification Sherloc (09022015). Collection method: clinical testing. Allele origin: germline.
Comment: This variant has not been reported in the literature in individuals affected with SYNE2-related conditions. In summary, the available evidence is currently insufficient to determine the role of this variant in disease. Therefore, it has been classified as a Variant of Uncertain Significance. Algorithms developed to predict the effect of missense changes on protein structure and function are either unavailable or do not agree on the potential impact of this missense change (SIFT: "Tolerated"; PolyPhen-2: "Probably Damaging"; Align-GVGD: "Class C0"). ClinVar contains an entry for this variant (Variation ID: 835156). This variant is not present in population databases (gnomAD no frequency). This sequence change replaces glutamic acid, which is acidic and polar, with lysine, which is basic and polar, at codon 1690 of the SYNE2 protein (p.Glu1690Lys).